The following is an entry in ClinVar:

ClinVar aggregate classification (germline): Likely benign (1 of 4 stars; one submission).

Submission:

Women's Health and Genetics/Laboratory Corporation of America, LabCorp
Classification: Likely benign. Last evaluated: 2025-06-30. Review status: criteria provided, single submitter. Criteria: LabCorp Variant Classification Summary - May 2015. Collection method: clinical testing. Allele origin: germline.
Comment: Variant summary: COL6A3 c.9048T>A alters a non-conserved nucleotide resulting in a synonymous change. Consensus agreement among computation tools predict no significant impact on normal splicing. However, these predictions have yet to be confirmed by functional studies. The variant was absent in 251432 control chromosomes. The available data on variant occurrences in the general population are insufficient to allow any conclusion about variant significance. To our knowledge, no occurrence of c.9048T>A in individuals affected with Ullrich congenital muscular dystrophy 1-AR and no experimental evidence demonstrating its impact on protein function have been reported. No submitters have cited clinical-significance assessments for this variant to ClinVar. Based on the evidence outlined above, the variant was classified as likely benign.

NM_004369.4(COL6A3):c.9048T>A (p.Gly3016=)

Gene: COL6A3 (collagen type VI alpha 3 chain; minus strand). Cytogenetic location: 2q37.3.
Variant type: single nucleotide variant.
Coding change: c.9048T>A on transcript NM_004369.4 (MANE Select); coding-DNA position 9048, T replaced by A.
Protein change: p.Gly3016=; no amino-acid change (glycine 3016 retained).
Molecular consequence: synonymous variant.
Genome position (GRCh38, 1-based): chr2:237,334,807, A>T on the plus strand (T>A on the coding strand, the complement: COL6A3 is on the minus strand). VCF-style: chr2-237334807-A-T. GRCh37 (hg19) VCF-style: chr2-238243450-A-T.
Other names: c.7227T>A, p.Gly2409= (NM_057166.5); c.8430T>A, p.Gly2810= (NM_057167.4).
Identifiers: ClinVar variation 3907632 (VCV003907632.1).